The following is an entry in ClinVar:

ClinVar aggregate classification (germline): Likely benign. Review status: criteria provided, multiple submitters, no conflicts (2 of 4 stars). 4 submissions from 4 submitters: Likely benign (4). Last evaluated 2026-01-24.

Conditions:
Catecholaminergic polymorphic ventricular tachycardia 5 (CARDAR). Also called: Ventricular tachycardia, catecholaminergic polymorphic, 5, with or without muscle weakness; CARDIAC ARRHYTHMIA SYNDROME, WITH OR WITHOUT SKELETAL MUSCLE WEAKNESS. Identifiers: Orphanet 3286, MedGen C3809536, MONDO:0014191, OMIM 615441.
Catecholaminergic polymorphic ventricular tachycardia 1. Also called: VENTRICULAR TACHYCARDIA, CATECHOLAMINERGIC POLYMORPHIC, 1, WITH OR WITHOUT ATRIAL DYSFUNCTION AND/OR DILATED CARDIOMYOPATHY; RYR2-Related Catecholaminergic Polymorphic Ventricular Tachycardia; VENTRICULAR TACHYCARDIA, STRESS-INDUCED POLYMORPHIC 1. Identifiers: Orphanet 3286, MedGen C1631597, MONDO:0011484, OMIM 604772.

Allele frequency attached by ClinVar (database versions not stated): gnomAD 0.00011 and 0.00013; TOPMed 0.00017; gnomAD exomes 0.00018 and 0.00025; ExAC 0.00021; ESP Exome Variant Server 0.00025.
gnomAD v4.1: 381 of 1,611,852 alleles (0.024%); highest among the groups gnomAD compares: Non-Finnish European, 0.03%; no homozygotes.

Submissions (4):

Labcorp Genetics (formerly Invitae), Labcorp
Classification: Likely benign for Catecholaminergic polymorphic ventricular tachycardia 1. Last evaluated: 2026-01-24. Review status: criteria provided, single submitter. Criteria: Invitae Variant Classification Sherloc (09022015). Collection method: clinical testing. Allele origin: germline.

Blueprint Genetics
Classification: Likely benign. Last evaluated: 2023-08-22. Review status: criteria provided, single submitter. Criteria: ACMG Guidelines, 2015. Collection method: clinical testing. Allele origin: germline.

Fulgent Genetics
Classification: Likely benign for Catecholaminergic polymorphic ventricular tachycardia 1; Catecholaminergic polymorphic ventricular tachycardia 5. Last evaluated: 2021-09-12. Review status: criteria provided, single submitter. Criteria: ACMG Guidelines, 2015. Collection method: clinical testing. Allele origin: unknown.

GeneDx
Classification: Likely benign. Last evaluated: 2018-04-02. Review status: criteria provided, single submitter. Criteria: GeneDx Variant Classification (06012015). Collection method: clinical testing. Allele origin: germline. Affected: yes.
Comment: This variant is considered likely benign or benign based on one or more of the following criteria: it is a conservative change, it occurs at a poorly conserved position in the protein, it is predicted to be benign by multiple in silico algorithms, and/or has population frequency not consistent with disease.

NM_006073.4(TRDN):c.23-19T>G

Gene: TRDN (triadin; minus strand). Cytogenetic location: 6q22.31.
Variant type: single nucleotide variant.
Coding change: c.23-19T>G on transcript NM_006073.4 (MANE Select); 19 bases into the intron before coding-DNA position 23, T replaced by G.
Molecular consequence: intron variant.
Genome position (GRCh38, 1-based): chr6:123,571,151, A>C on the plus strand (T>G on the coding strand, the complement: TRDN is on the minus strand). VCF-style: chr6-123571151-A-C. GRCh37 (hg19) VCF-style: chr6-123892296-A-C.
Other names: c.23-19T>G (NM_001251987.2, NM_001256020.2, NM_001256021.2 and 1 more transcripts).
Identifiers: ClinVar variation 681489 (VCV000681489.12), dbSNP rs370102595, ClinGen allele CA3984494.